The following is an entry in ClinVar:

NM_005633.4(SOS1):c.1132A>G (p.Thr378Ala)

Gene: SOS1 (SOS Ras/Rac guanine nucleotide exchange factor 1; minus strand). Cytogenetic location: 2p22.1.
Variant type: single nucleotide variant.
Coding change: c.1132A>G on transcript NM_005633.4 (MANE Select); coding-DNA position 1132, A replaced by G.
Protein change: p.Thr378Ala; replaces threonine 378 with alanine.
Molecular consequence: missense variant.
Genome position (GRCh38, 1-based): chr2:39,024,080, T>C on the plus strand (A>G on the coding strand, the complement: SOS1 is on the minus strand). VCF-style: chr2-39024080-T-C. GRCh37 (hg19) VCF-style: chr2-39251221-T-C.
Other names: c.1111A>G, p.Thr371Ala (NM_001382394.1); c.1132A>G, p.Thr378Ala (NM_001382395.1); short protein forms T378A, T371A.
Identifiers: ClinVar variation 45344 (VCV000045344.24), dbSNP rs397517146, ClinGen allele CA261714.

ClinVar aggregate classification (germline): Pathogenic/Likely pathogenic. Review status: criteria provided, multiple submitters, no conflicts (2 of 4 stars). 7 submissions from 7 submitters: Pathogenic (3); Likely pathogenic (4). Last evaluated 2024-01-31.

Conditions:
SOS1-related disorder. Also called: SOS1-related condition.
Cardiovascular phenotype. Identifiers: MedGen CN230736.
RASopathy. Also called: rasopathies; Noonan spectrum disorder. Identifiers: Orphanet 536391, MedGen C5555857, MONDO:0021060.
Noonan syndrome (NS). Also called: Noonan's syndrome. Identifiers: Orphanet 648, MedGen C0028326, MeSH D009634, MONDO:0018997. Disease mechanism: gain of function.
Noonan syndrome 4 (NS4). Also called: NOONAN SYNDROME WITH PIGMENTED VILLONODULAR SYNOVITIS; SOS1-Related Noonan Syndrome. Identifiers: Orphanet 648, MedGen C1853120, MONDO:0012547, OMIM 610733.

Submissions (7):

3billion
Classification: Likely pathogenic for Noonan syndrome 4. Last evaluated: 2024-01-31. Review status: criteria provided, single submitter. Criteria: ACMG Guidelines, 2015. Collection method: clinical testing. Allele origin: germline. Affected: yes.
Comment: The variant is not observed in the gnomAD v2.1.1 dataset. Predicted Consequence/Location: Missense changes are a common disease-causing mechanism. In silico tool predictions suggest damaging effect of the variant on gene or gene product [3Cnet: 0.86 (>=0.6, sensitivity 0.72 and precision 0.9)]. Same nucleotide change resulting in same amino acid change has been previously reported as pathogenic/likely pathogenic with strong evidence (ClinVar ID: VCV000045344). Therefore, this variant is classified as Likely pathogenic according to the recommendation of ACMG/AMP guideline.

GeneDx
Classification: Pathogenic. Last evaluated: 2023-11-29. Review status: criteria provided, single submitter. Criteria: GeneDx Variant Classification Process June 2021. Collection method: clinical testing. Allele origin: germline. Affected: yes.
Comment: Not observed at significant frequency in large population cohorts (gnomAD); In silico analysis supports that this missense variant does not alter protein structure/function; Missense variants in this gene are often considered pathogenic (HGMD); This variant is associated with the following publications: (PMID: 34411415, 21387466, 32627323, 36959127, 30712878)

Blueprint Genetics
Classification: Likely pathogenic for SOS1-related disorders. Last evaluated: 2023-05-16. Review status: criteria provided, single submitter. Criteria: ACMG Guidelines, 2015. Collection method: clinical testing. Allele origin: germline. Affected: yes. Observed: 1 variant allele.

Ambry Genetics
Classification: Pathogenic for Cardiovascular phenotype. Last evaluated: 2022-07-01. Review status: criteria provided, single submitter. Criteria: Ambry Variant Classification Scheme 2023. Collection method: clinical testing. Allele origin: germline.
Comment: The p.T378A pathogenic mutation (also known as c.1132A>G), located in coding exon 9 of the SOS1 gene, results from an A to G substitution at nucleotide position 1132. The threonine at codon 378 is replaced by alanine, an amino acid with similar properties. This variant has been detected in multiple individuals with a clinical diagnosis or suspicion of Noonan syndrome; it has also been determined to be the result of a de novo mutation or germline mosaicism in multiple families (Denayer E et al. Genes Chromosomes Cancer, 2010 Mar;49:242-52; Ambry internal data; personal communication with other laboratories). This variant is considered to be rare based on population cohorts in the Genome Aggregation Database (gnomAD). Based on the supporting evidence, this alteration is interpreted as a disease-causing mutation.

Labcorp Genetics (formerly Invitae), Labcorp
Classification: Pathogenic for RASopathy. Last evaluated: 2022-06-24. Review status: criteria provided, single submitter. Criteria: Invitae Variant Classification Sherloc (09022015). Collection method: clinical testing. Allele origin: germline.
Comment: This sequence change replaces threonine, which is neutral and polar, with alanine, which is neutral and non-polar, at codon 378 of the SOS1 protein (p.Thr378Ala). This variant is not present in population databases (gnomAD no frequency). This missense change has been observed in individual(s) with clinical features of Noonan syndrome (PMID: 19953625; Invitae; ClinVar). In at least one individual the variant was observed to be de novo. ClinVar contains an entry for this variant (Variation ID: 45344). Algorithms developed to predict the effect of missense changes on protein structure and function (SIFT, PolyPhen-2, Align-GVGD) all suggest that this variant is likely to be tolerated. For these reasons, this variant has been classified as Pathogenic.

Laboratory for Molecular Medicine, Mass General Brigham Personalized Medicine
Classification: Likely pathogenic for Noonan syndrome. Last evaluated: 2012-10-04. Review status: criteria provided, single submitter. Criteria: LMM Criteria. Collection method: clinical testing. Allele origin: germline. Observed: 1 variant allele.
Comment: The Thr378Ala variant in SOS1 has been previously reported in the literature in one individual with clinical features of an unspecified Noonan spectrum disorder (cohort consisted of individuals with Noonan syndrome, CFC syndrome, or nonsynd romic congenital heart defects) and was absent in 600 control chromosomes (Lepri 2011). Computational analyses (biochemical amin o acid properties, conservation, AlignGVGD, PolyPhen2, and SIFT) suggest that th e Thr378Ala variant may not impact the protein, though this information is not p redictive enough to rule out pathogenicity. In summary, additional information i s needed to fully assess the clinical significance of the Thr378Ala variant.

Genome-Nilou Lab
Classification: Likely pathogenic for Noonan syndrome 4. Review status: criteria provided, single submitter. Criteria: ACMG Guidelines, 2015. Collection method: clinical testing. Allele origin: germline.

Literature cited by the submitters: PubMed 19953625 (cited by Ambry Genetics and Labcorp Genetics (formerly Invitae), Labcorp); PubMed 30712878 (cited by Ambry Genetics); PubMed 34411415 (cited by Ambry Genetics); PubMed 21387466 (cited by Laboratory for Molecular Medicine, Mass General Brigham Personalized Medicine).